The following is an entry in ClinVar:

NM_006282.5(STK4):c.955A>G (p.Asn319Asp)

Gene: STK4 (serine/threonine kinase 4; plus strand). Cytogenetic location: 20q13.12.
Variant type: single nucleotide variant.
Coding change: c.955A>G on transcript NM_006282.5 (MANE Select); coding-DNA position 955, A replaced by G.
Protein change: p.Asn319Asp; replaces asparagine 319 with aspartic acid.
Molecular consequence: missense variant.
Genome position (GRCh38, 1-based): chr20:45,000,515, A>G. VCF-style: chr20-45000515-A-G. GRCh37 (hg19) VCF-style: chr20-43629156-A-G.
Other names: c.955A>G, p.Asn319Asp (NM_001352385.2); short protein forms N319D.
Identifiers: ClinVar variation 2055641 (VCV002055641.4), dbSNP rs749256812, ClinGen allele CA9873936.

ClinVar aggregate classification (germline): Uncertain significance (1 of 4 stars; one submission).

Conditions:
Combined immunodeficiency due to STK4 deficiency (IMD110). Also called: T-cell immunodeficiency, recurrent infections, and autoimmunity with or without cardiac malformations; STK4 DEFICIENCY; MST1 DEFICIENCY. Identifiers: Orphanet 314689, MedGen C3553943, MONDO:0013934, OMIM 614868.

Allele frequency attached by ClinVar (database versions not stated): gnomAD 0.00001; TOPMed below 0.00001; ExAC 0.00001; gnomAD exomes 0.00008.
gnomAD v4.1: 114 of 1,613,872 alleles (0.0071%); highest among the groups gnomAD compares: Non-Finnish European, 0.0096%; no homozygotes.

Submission:

Labcorp Genetics (formerly Invitae), Labcorp
Classification: Uncertain significance for Combined immunodeficiency due to STK4 deficiency. Last evaluated: 2024-01-20. Review status: criteria provided, single submitter. Criteria: Invitae Variant Classification Sherloc (09022015). Collection method: clinical testing. Allele origin: germline.
Comment: This sequence change replaces asparagine, which is neutral and polar, with aspartic acid, which is acidic and polar, at codon 319 of the STK4 protein (p.Asn319Asp). This variant is present in population databases (rs749256812, gnomAD 0.004%). This variant has not been reported in the literature in individuals affected with STK4-related conditions. ClinVar contains an entry for this variant (Variation ID: 2055641). Advanced modeling of protein sequence and biophysical properties (such as structural, functional, and spatial information, amino acid conservation, physicochemical variation, residue mobility, and thermodynamic stability) performed at Invitae indicates that this missense variant is not expected to disrupt STK4 protein function with a negative predictive value of 95%. Algorithms developed to predict the effect of sequence changes on RNA splicing suggest that this variant may create or strengthen a splice site. In summary, the available evidence is currently insufficient to determine the role of this variant in disease. Therefore, it has been classified as a Variant of Uncertain Significance.